The following is an entry in ClinVar:

NM_130837.3(OPA1):c.2220G>T (p.Met740Ile)

Gene: OPA1 (OPA1 mitochondrial dynamin like GTPase; plus strand). Cytogenetic location: 3q29.
Variant type: single nucleotide variant.
Coding change: c.2220G>T on transcript NM_130837.3 (MANE Select); coding-DNA position 2220, G replaced by T.
Protein change: p.Met740Ile; replaces methionine 740 with isoleucine.
Molecular consequence: missense variant.
Genome position (GRCh38, 1-based): chr3:193,657,121, G>T. VCF-style: chr3-193657121-G-T. GRCh37 (hg19) VCF-style: chr3-193374910-G-T.
Other names: c.1686G>T, p.Met562Ile (NM_001354663.2); c.1683G>T, p.Met561Ile (NM_001354664.2); c.2055G>T, p.Met685Ile (NM_015560.3); c.1947G>T, p.Met649Ile (NM_130831.3); c.2001G>T, p.Met667Ile (NM_130832.3); c.2058G>T, p.Met686Ile (NM_130833.3); c.2109G>T, p.Met703Ile (NM_130834.3); c.2112G>T, p.Met704Ile (NM_130835.3); and 1 more; short protein forms M561I, M649I, M667I, M685I, M703I, M704I, M740I, M562I.
Identifiers: ClinVar variation 2068559 (VCV002068559.4), dbSNP rs2109163377, ClinGen allele CA355791447.
Genomic context (GRCh38, chr3:193,657,121, plus strand): 5'-TTCTTTCAAATAATTATAGGTTGCTTGGGAGACCCTACAAGAAGAATTTTCCCGCTTTAT[G>T]ACAGAACCGAAAGGGAAAGAGCATGATGACATATTTGATAAACTTAAAGAGGCTGTTAAG-3'
Protein context (NP_570850.2, residues 730-750): ETLQEEFSRF[Met740Ile]TEPKGKEHDD

ClinVar aggregate classification (germline): Uncertain significance (1 of 4 stars; one submission).

Submission:

Labcorp Genetics (formerly Invitae), Labcorp
Classification: Uncertain significance. Last evaluated: 2022-07-06. Review status: criteria provided, single submitter. Criteria: Invitae Variant Classification Sherloc (09022015). Collection method: clinical testing. Allele origin: germline.
Comment: In summary, the available evidence is currently insufficient to determine the role of this variant in disease. Therefore, it has been classified as a Variant of Uncertain Significance. Algorithms developed to predict the effect of sequence changes on RNA splicing suggest that this variant may create or strengthen a splice site. Advanced modeling of protein sequence and biophysical properties (such as structural, functional, and spatial information, amino acid conservation, physicochemical variation, residue mobility, and thermodynamic stability) performed at Invitae indicates that this missense variant is not expected to disrupt OPA1 protein function. This variant is not present in population databases (gnomAD no frequency). This variant has not been reported in the literature in individuals affected with OPA1-related conditions. This sequence change replaces methionine, which is neutral and non-polar, with isoleucine, which is neutral and non-polar, at codon 685 of the OPA1 protein (p.Met685Ile).